The following is an entry in ClinVar:

NM_001754.5(RUNX1):c.723_729dup (p.Ala244fs)

Gene: RUNX1 (RUNX family transcription factor 1; minus strand). Cytogenetic location: 21q22.12.
Variant type: Duplication.
Coding change: c.723_729dup on transcript NM_001754.5 (MANE Select); coding-DNA positions 723 to 729, 7 bases duplicated (CCACCCA; older notation c.723_729dupCCACCCA).
Protein change: p.Ala244fs; shifts the reading frame from alanine 244.
Molecular consequence: frameshift variant.
Genome position (GRCh38, 1-based): chr21:34,834,486-34,834,492, TGGGTGG duplicated on the plus strand (CCACCCA on the coding strand, the reverse complement: RUNX1 is on the minus strand); duplicating any 7 consecutive bases within chr21:34,834,486-34,834,494 gives the same sequence; the c. name uses the placement nearest the transcript's 3' end. VCF-style (leftmost placement, unchanged base first): chr21-34834485-C-CTGGGTGG. GRCh37 (hg19) VCF-style: chr21-36206782-C-CTGGGTGG.
Other names: NM_001754.5(RUNX1):c.723_729dup; p.Ala244fs; c.642_648dup, p.Ala217fs (NM_001001890.3, NM_001122607.2); short protein forms A217fs, A244fs.
Identifiers: ClinVar variation 2018650 (VCV002018650.5), dbSNP rs2517039436, ClinGen allele CA2580098678.

ClinVar aggregate classification (germline): Pathogenic. Review status: reviewed by expert panel (3 of 4 stars). 2 submissions from 2 submitters: Pathogenic (1). 1 of the submissions does not count toward it. Last evaluated 2024-03-26.

Conditions:
Hereditary thrombocytopenia and hematological cancer predisposition syndrome associated with RUNX1. Also called: Familial Platelet Disorder with Propensity to Acute Myelogenous Leukemia; Familial thrombocytopenia with propensity to acute myelogenous leukemia; PLATELET DISORDER, ASPIRIN-LIKE; RUNX1 Familial Platelet Disorder with Associated Myeloid Malignancies. Identifiers: Orphanet 71290, MedGen C1832388, MeSH C563324, MONDO:0100083, OMIM 601399.
Hereditary thrombocytopenia and hematologic cancer predisposition syndrome. Identifiers: Orphanet 71290, MedGen CN281654, MONDO:0011071.

Submissions (2):

ClinGen Myeloid Malignancy Variant Curation Expert Panel
Classification: Pathogenic for Hereditary thrombocytopenia and hematologic cancer predisposition syndrome. Last evaluated: 2024-03-26. Review status: reviewed by expert panel. Criteria: ClinGen MyeloMalig ACMG Specifications v2. Collection method: curation. Allele origin: germline. Inheritance: Autosomal dominant inheritance.
Comment: The NM_001754.5(RUNX1):c.723_729dup (p.Ala244ProfsTer19) is a frameshift variant in a gene in which loss-of-function is an established mechanism (Frameshift (+1); c.98-c.779 as per VCEP specifications) (PVS1). This variant is completely absent from all population databases with at least 20x coverage for RUNX1 (PM2_Supporting). This frameshift variant is downstream of c.98 in transcript NM_001754.4 (PM5_Supporting). In summary, this variant meets the criteria to be classified as pathogenic. ACMG/AMP criteria applied, as specified by the Myeloid Malignancy Variant Curation Expert Panel for RUNX1: PVS1, PM2_supporting, PM5_supporting.

Labcorp Genetics (formerly Invitae), Labcorp
Classification: Pathogenic for Hereditary thrombocytopenia and hematological cancer predisposition syndrome associated with RUNX1. Last evaluated: 2024-04-22. Review status: criteria provided, single submitter. Criteria: Invitae Variant Classification Sherloc (09022015). Collection method: clinical testing. Allele origin: germline. Not counted in ClinVar's aggregate classification.
Comment: This sequence change creates a premature translational stop signal (p.Ala244Profs*19) in the RUNX1 gene. It is expected to result in an absent or disrupted protein product. Loss-of-function variants in RUNX1 are known to be pathogenic (PMID: 18723428, 24100448). This variant is not present in population databases (gnomAD no frequency). This variant has not been reported in the literature in individuals affected with RUNX1-related conditions. ClinVar contains an entry for this variant (Variation ID: 2018650). Algorithms developed to predict the effect of sequence changes on RNA splicing suggest that this variant may disrupt the consensus splice site. For these reasons, this variant has been classified as Pathogenic.

Literature cited by the submitters: PubMed 18723428 (cited by Labcorp Genetics (formerly Invitae), Labcorp); PubMed 24100448 (cited by Labcorp Genetics (formerly Invitae), Labcorp).